The following is an entry in ClinVar:

NM_001083962.2(TCF4):c.922+1G>A

Genes: TCF4 (transcription factor 4; minus strand), LOC126862757 (CDK7 strongly-dependent group 2 enhancer GRCh37_chr18:52936433-52937632; plus strand). Cytogenetic location: 18q21.2.
Variant type: single nucleotide variant.
Coding change: c.922+1G>A on transcript NM_001083962.2 (MANE Select); the canonical splice donor site of the intron after coding-DNA position 922, G replaced by A.
Molecular consequence: splice donor variant.
Genome position (GRCh38, 1-based): chr18:55,269,830, C>T on the plus strand (G>A on the coding strand, the complement: TCF4 is on the minus strand). VCF-style: chr18-55269830-C-T. GRCh37 (hg19) VCF-style: chr18-52937061-C-T.
Other names: c.1228+1G>A (NM_001243226.3); c.847+1G>A (NM_001369584.1, NM_001369576.1, NM_001369585.1 and 3 more transcripts); c.850+1G>A (NM_001369577.1, NM_001369582.1, NM_001243227.2 and 9 more transcripts); c.922+1G>A (NM_001369571.1, NM_001369567.1, NM_001369572.1 and 4 more transcripts); c.940+1G>A (NM_001243228.2); c.916+1G>A (NM_001243230.2); c.919+1G>A (NM_001369569.1, NM_001369573.1, NM_001369570.1); c.796+1G>A (NM_001243231.2, NM_001348211.2); and 4 more.
Identifiers: ClinVar variation 1711453 (VCV001711453.30), dbSNP rs2059973359, ClinGen allele CA402701077.
Genomic context (GRCh38, chr18:55,269,830, plus strand): 5'-CCTTGATGATTAAACTCTGACACCAATTGTTGGTATCAGAATTGGCATTTCTGTGACTCA[C>T]CCATTATACTGTCTGTCCCGTTGGCAGGAGGCGTACAGGAAGAGGTGCTGTAATGGTTTG-3'

ClinVar aggregate classification (germline): Pathogenic (1 of 4 stars; one submission).

Submission:

CeGaT Center for Human Genetics Tuebingen
Classification: Pathogenic. Last evaluated: 2022-09-01. Review status: criteria provided, single submitter. Criteria: CeGaT Center For Human Genetics Tuebingen Variant Classification Criteria Version 2. Collection method: clinical testing. Allele origin: germline. Affected: yes. Observed: 1 variant allele.
Comment: TCF4: PVS1, PS2, PM2